The following is an entry in ClinVar:

ClinVar aggregate classification (germline): Uncertain significance (1 of 4 stars; one submission).

Conditions:
Nephronophthisis 15 (NPHP15). Identifiers: Orphanet 3156, MedGen C3541853, MONDO:0013917, OMIM 614845.

gnomAD v4.1: 10 of 1,613,884 alleles (0.00062%); highest among the groups gnomAD compares: Middle Eastern, 0.017%; no homozygotes.

Submission:

Labcorp Genetics (formerly Invitae), Labcorp
Classification: Uncertain significance for Nephronophthisis 15. Last evaluated: 2025-01-27. Review status: criteria provided, single submitter. Criteria: Invitae Variant Classification Sherloc (09022015). Collection method: clinical testing. Allele origin: germline.
Comment: This sequence change replaces arginine, which is basic and polar, with cysteine, which is neutral and slightly polar, at codon 915 of the CEP164 protein (p.Arg915Cys). This variant is present in population databases (rs200179277, gnomAD 0.01%). This variant has not been reported in the literature in individuals affected with CEP164-related conditions. Invitae Evidence Modeling of protein sequence and biophysical properties (such as structural, functional, and spatial information, amino acid conservation, physicochemical variation, residue mobility, and thermodynamic stability) indicates that this missense variant is not expected to disrupt CEP164 protein function with a negative predictive value of 80%. In summary, the available evidence is currently insufficient to determine the role of this variant in disease. Therefore, it has been classified as a Variant of Uncertain Significance.

NM_014956.5(CEP164):c.2743C>T (p.Arg915Cys)

Gene: CEP164 (centrosomal protein 164; plus strand). Cytogenetic location: 11q23.3.
Variant type: single nucleotide variant.
Coding change: c.2743C>T on transcript NM_014956.5 (MANE Select); coding-DNA position 2743, C replaced by T.
Protein change: p.Arg915Cys; replaces arginine 915 with cysteine.
Molecular consequence: missense variant.
Genome position (GRCh38, 1-based): chr11:117,394,476, C>T. VCF-style: chr11-117394476-C-T. GRCh37 (hg19) VCF-style: chr11-117265192-C-T.
Other names: c.2752C>T, p.Arg918Cys (NM_001271933.2); short protein forms R915C, R918C.
Identifiers: ClinVar variation 3698085 (VCV003698085.1).